The following is an entry in ClinVar:

NM_139321.3(ATRN):c.1066G>A (p.Val356Ile)

Gene: ATRN (attractin; plus strand). Cytogenetic location: 20p13.
Variant type: single nucleotide variant.
Coding change: c.1066G>A on transcript NM_139321.3 (MANE Select); coding-DNA position 1066, G replaced by A.
Protein change: p.Val356Ile; replaces valine 356 with isoleucine.
Molecular consequence: missense variant.
Genome position (GRCh38, 1-based): chr20:3,549,292, G>A. VCF-style: chr20-3549292-G-A. GRCh37 (hg19) VCF-style: chr20-3529939-G-A.
Other names: c.718G>A, p.Val240Ile (NM_001207047.3); c.1066G>A, p.Val356Ile (NM_001323332.2, NM_139322.4); short protein forms V356I, V240I.
Identifiers: ClinVar variation 1935568 (VCV001935568.5), dbSNP rs778477025, ClinGen allele CA9743961.

ClinVar aggregate classification (germline): Uncertain significance (1 of 4 stars; one submission).

Allele frequency attached by ClinVar (database versions not stated): gnomAD 0.00001; ExAC 0.00002; TOPMed 0.00002; gnomAD exomes 0.00003.
gnomAD v4.1: 41 of 1,609,060 alleles (0.0025%); highest among the groups gnomAD compares: Non-Finnish European, 0.0034%; no homozygotes.

Submission:

Labcorp Genetics (formerly Invitae), Labcorp
Classification: Uncertain significance. Last evaluated: 2022-03-04. Review status: criteria provided, single submitter. Criteria: Invitae Variant Classification Sherloc (09022015). Collection method: clinical testing. Allele origin: germline.
Comment: This variant has not been reported in the literature in individuals affected with ATRN-related conditions. In summary, the available evidence is currently insufficient to determine the role of this variant in disease. Therefore, it has been classified as a Variant of Uncertain Significance. Algorithms developed to predict the effect of missense changes on protein structure and function output the following: SIFT: "Tolerated"; PolyPhen-2: "Benign"; Align-GVGD: "Class C0". The isoleucine amino acid residue is found in multiple mammalian species, which suggests that this missense change does not adversely affect protein function. This variant is present in population databases (rs778477025, gnomAD 0.002%). This sequence change replaces valine, which is neutral and non-polar, with isoleucine, which is neutral and non-polar, at codon 356 of the ATRN protein (p.Val356Ile).